The following is an entry in ClinVar:

ClinVar aggregate classification (germline): Benign/Likely benign. Review status: criteria provided, multiple submitters, no conflicts (2 of 4 stars). 3 submissions from 3 submitters: Benign (1); Likely benign (2). Last evaluated 2024-07-24.

Conditions:
Hereditary cancer-predisposing syndrome. Also called: Tumor predisposition; Neoplastic Syndromes, Hereditary; Hereditary neoplastic syndrome; Hereditary Cancer Syndrome. Identifiers: Orphanet 140162, MedGen C0027672, MeSH D009386, MONDO:0015356.
Familial cancer of breast. Also called: Hereditary breast cancer; hereditary breast carcinoma; BREAST CANCER, FAMILIAL. Identifiers: Orphanet 227535, MedGen C0346153, MONDO:0016419, OMIM 114480. Disease mechanism: loss of function.

Allele frequency attached by ClinVar (database versions not stated): gnomAD exomes below 0.00001.
gnomAD v4.1: 1 of 1,614,098 alleles (0.000062%); highest among the groups gnomAD compares: Admixed American, 0.0017%; no homozygotes.

Submissions (3):

Myriad Genetics, Inc.
Classification: Benign for Familial cancer of breast. Last evaluated: 2024-07-24. Review status: criteria provided, single submitter. Criteria: Myriad Autosomal Dominant, Autosomal Recessive and X-Linked Classification Criteria (2023). Collection method: clinical testing. Allele origin: unknown.
Comment: This variant is considered benign. This variant is a silent/synonymous amino acid change and it is not expected to impact splicing.

Labcorp Genetics (formerly Invitae), Labcorp
Classification: Likely benign for Familial cancer of breast. Last evaluated: 2023-10-28. Review status: criteria provided, single submitter. Criteria: Invitae Variant Classification Sherloc (09022015). Collection method: clinical testing. Allele origin: germline.

Ambry Genetics
Classification: Likely benign for Hereditary cancer-predisposing syndrome. Last evaluated: 2021-04-26. Review status: criteria provided, single submitter. Criteria: Ambry Variant Classification Scheme 2023. Collection method: clinical testing. Allele origin: germline.

NM_000465.4(BARD1):c.1128A>G (p.Ser376=)

Gene: BARD1 (BRCA1 associated RING domain 1; minus strand). Cytogenetic location: 2q35.
Variant type: single nucleotide variant.
Coding change: c.1128A>G on transcript NM_000465.4 (MANE Select); coding-DNA position 1128, A replaced by G.
Protein change: p.Ser376=; no amino-acid change (serine 376 retained).
Molecular consequence: synonymous variant. On other transcripts: non-coding transcript variant (2), intron variant (3).
Genome position (GRCh38, 1-based): chr2:214,780,746, T>C on the plus strand (A>G on the coding strand, the complement: BARD1 is on the minus strand). VCF-style: chr2-214780746-T-C. GRCh37 (hg19) VCF-style: chr2-215645470-T-C.
Other names: c.1071A>G, p.Ser357= (NM_001282543.2); c.159-28191A>G (NM_001282548.2); c.215+16315A>G (NM_001282545.2); c.364+11551A>G (NM_001282549.2).
Identifiers: ClinVar variation 1148694 (VCV001148694.13), dbSNP rs1370139675, ClinGen allele CA431391974.